The following is an entry in ClinVar:

NM_006270.5(RRAS):c.94C>T (p.Leu32=)

Gene: RRAS (RAS related; minus strand). Cytogenetic location: 19q13.33.
Variant type: single nucleotide variant.
Coding change: c.94C>T on transcript NM_006270.5 (MANE Select); coding-DNA position 94, C replaced by T.
Protein change: p.Leu32=; no amino-acid change (leucine 32 retained).
Molecular consequence: synonymous variant.
Genome position (GRCh38, 1-based): chr19:49,640,005, G>A on the plus strand (C>T on the coding strand, the complement: RRAS is on the minus strand). VCF-style: chr19-49640005-G-A. GRCh37 (hg19) VCF-style: chr19-50143262-G-A.
Identifiers: ClinVar variation 842327 (VCV000842327.15), dbSNP rs764926027, ClinGen allele CA9579161.

ClinVar aggregate classification (germline): Likely benign. Review status: criteria provided, multiple submitters, no conflicts (2 of 4 stars). 3 submissions from 3 submitters: Likely benign (2). 1 of the submissions does not count toward it. Last evaluated 2026-01-21.

Conditions:
RRAS-related disorder. Also called: RRAS-related condition.
Noonan syndrome (NS). Also called: Noonan's syndrome. Identifiers: Orphanet 648, MedGen C0028326, MeSH D009634, MONDO:0018997. Disease mechanism: gain of function.

Allele frequency attached by ClinVar (database versions not stated): gnomAD 0.00002 and 0.00003; ExAC 0.00007; gnomAD exomes 0.00007; TOPMed 0.00008; 1000 Genomes Project 30x 0.00031.
gnomAD v4.1: 51 of 1,580,674 alleles (0.0032%); highest among the groups gnomAD compares: Admixed American, 0.012%; no homozygotes.

Submissions (4):

Labcorp Genetics (formerly Invitae), Labcorp
Classification: Likely benign for Noonan syndrome. Last evaluated: 2026-01-21. Review status: criteria provided, single submitter. Criteria: Invitae Variant Classification Sherloc (09022015). Collection method: clinical testing. Allele origin: germline.

Ambry Genetics
Classification: Likely benign. Last evaluated: 2022-07-17. Review status: criteria provided, single submitter. Criteria: Ambry Variant Classification Scheme 2023. Collection method: clinical testing. Allele origin: germline.

PreventionGenetics, part of Exact Sciences
Classification: Likely benign for RRAS-related condition. Last evaluated: 2019-10-16. Review status: no assertion criteria provided. Collection method: clinical testing. Allele origin: germline. Not counted in ClinVar's aggregate classification.
Comment: This variant is classified as likely benign based on ACMG/AMP sequence variant interpretation guidelines (Richards et al. 2015 PMID: 25741868, with internal and published modifications).

Dr. Peter K. Rogan Lab, Western University
No classification provided (evidence only). Condition: Ovarian serous cystadenocarcinoma. Review status: no classification provided. Collection method: in vitro. Allele origin: not applicable. Functional consequence: retained intron. Not counted in ClinVar's aggregate classification.